The following is an entry in ClinVar:

ClinVar aggregate classification (germline): Uncertain significance. Review status: criteria provided, multiple submitters, no conflicts (2 of 4 stars). 4 submissions from 4 submitters: Uncertain significance (3). 1 of the submissions does not count toward it. Last evaluated 2022-07-06.

Conditions:
Inborn genetic diseases. Identifiers: MedGen C0950123, MeSH D030342.
Neuronal ceroid lipofuscinosis 2. Also called: TPP1-Related Neuronal Ceroid-Lipofuscinosis; JANSKY-BIELSCHOWSKY DISEASE NEURONAL CEROID LIPOFUSCINOSIS, LATE INFANTILE. Identifiers: Orphanet 168491, Orphanet 228349, Orphanet 79264, MedGen C1876161, MONDO:0008769, OMIM 204500.

Allele frequency attached by ClinVar (database versions not stated): gnomAD exomes below 0.00001.

Submissions (4):

Labcorp Genetics (formerly Invitae), Labcorp
Classification: Uncertain significance. Last evaluated: 2022-07-06. Review status: criteria provided, single submitter. Criteria: Invitae Variant Classification Sherloc (09022015). Collection method: clinical testing. Allele origin: germline.
Comment: This sequence change replaces proline, which is neutral and non-polar, with serine, which is neutral and polar, at codon 434 of the TPP1 protein (p.Pro434Ser). This variant is present in population databases (no rsID available, gnomAD 0.0009%). This variant has not been reported in the literature in individuals affected with TPP1-related conditions. ClinVar contains an entry for this variant (Variation ID: 590066). Advanced modeling of protein sequence and biophysical properties (such as structural, functional, and spatial information, amino acid conservation, physicochemical variation, residue mobility, and thermodynamic stability) performed at Invitae indicates that this missense variant is not expected to disrupt TPP1 protein function. In summary, the available evidence is currently insufficient to determine the role of this variant in disease. Therefore, it has been classified as a Variant of Uncertain Significance.

CeGaT Center for Human Genetics Tuebingen
Classification: Uncertain significance. Last evaluated: 2021-04-01. Review status: criteria provided, single submitter. Criteria: CeGaT Center For Human Genetics Tuebingen Variant Classification Criteria Version 2. Collection method: clinical testing. Allele origin: germline. Affected: yes. Observed: 1 variant allele.

Ambry Genetics
Classification: Uncertain significance for Inborn genetic diseases. Last evaluated: 2017-02-08. Review status: criteria provided, single submitter. Criteria: Ambry Variant Classification Scheme 2023. Collection method: clinical testing. Allele origin: germline.
Comment: The p.P434S variant (also known as c.1300C>T), located in coding exon 11 of the TPP1 gene, results from a C to T substitution at nucleotide position 1300. The proline at codon 434 is replaced by serine, an amino acid with similar properties. This amino acid position is not well conserved in available vertebrate species. In addition, this alteration is predicted to be tolerated by in silico analysis. Since supporting evidence is limited at this time, the clinical significance of this variant remains unclear.

Natera, Inc.
Classification: Uncertain significance for Neuronal ceroid lipofuscinosis 2. Last evaluated: 2020-09-17. Review status: no assertion criteria provided. Collection method: clinical testing. Allele origin: germline. Not counted in ClinVar's aggregate classification.

NM_000391.4(TPP1):c.1300C>T (p.Pro434Ser)

Gene: TPP1 (tripeptidyl peptidase 1; minus strand). Cytogenetic location: 11p15.4.
Variant type: single nucleotide variant.
Coding change: c.1300C>T on transcript NM_000391.4 (MANE Select); coding-DNA position 1300, C replaced by T.
Protein change: p.Pro434Ser; replaces proline 434 with serine.
Molecular consequence: missense variant.
Genome position (GRCh38, 1-based): chr11:6,615,296, G>A on the plus strand (C>T on the coding strand, the complement: TPP1 is on the minus strand). VCF-style: chr11-6615296-G-A. GRCh37 (hg19) VCF-style: chr11-6636527-G-A.
Other names: short protein forms P434S.
Identifiers: ClinVar variation 590066 (VCV000590066.43), dbSNP rs1420637772, ClinGen allele CA379472768.